The following is an entry in ClinVar:

ClinVar aggregate classification (germline): Conflicting classifications of pathogenicity. Review status: criteria provided, conflicting classifications (1 of 4 stars). 3 submissions from 3 submitters: Uncertain significance (1); Likely benign (2). Last evaluated 2024-09-21.

Conditions:
Ataxia-telangiectasia-like disorder (ATLD). Identifiers: MedGen C1858391, MONDO:0011457.
Hereditary cancer-predisposing syndrome. Also called: Tumor predisposition; Hereditary neoplastic syndrome; Hereditary Cancer Syndrome; Neoplastic Syndromes, Hereditary. Identifiers: Orphanet 140162, MedGen C0027672, MeSH D009386, MONDO:0015356.

Allele frequency attached by ClinVar (database versions not stated): ExAC 0.00003; TOPMed 0.00003; 1000 Genomes Project 30x 0.00016; 1000 Genomes Project 0.00020; gnomAD 0.00001 and 0.00002; gnomAD exomes 0.00001 and 0.00002.
gnomAD v4.1: 7 of 1,613,674 alleles (0.00043%); highest among the groups gnomAD compares: East Asian, 0.016%; no homozygotes.

Submissions (3):

Labcorp Genetics (formerly Invitae), Labcorp
Classification: Uncertain significance for Ataxia-telangiectasia-like disorder. Last evaluated: 2024-09-21. Review status: criteria provided, single submitter. Criteria: Invitae Variant Classification Sherloc (09022015). Collection method: clinical testing. Allele origin: germline.
Comment: This sequence change replaces lysine, which is basic and polar, with threonine, which is neutral and polar, at codon 420 of the MRE11 protein (p.Lys420Thr). This variant is present in population databases (rs201153937, gnomAD 0.03%). This variant has not been reported in the literature in individuals affected with MRE11-related conditions. ClinVar contains an entry for this variant (Variation ID: 407882). An algorithm developed to predict the effect of missense changes on protein structure and function (PolyPhen-2) suggests that this variant¬†is likely to be tolerated. In summary, the available evidence is currently insufficient to determine the role of this variant in disease. Therefore, it has been classified as a Variant of Uncertain Significance.

Ambry Genetics
Classification: Likely benign for Hereditary cancer-predisposing syndrome. Last evaluated: 2024-04-25. Review status: criteria provided, single submitter. Criteria: Ambry Variant Classification Scheme 2023. Collection method: clinical testing. Allele origin: germline.

CeGaT Center for Human Genetics Tuebingen
Classification: Likely benign. Last evaluated: 2023-09-01. Review status: criteria provided, single submitter. Criteria: CeGaT Center For Human Genetics Tuebingen Variant Classification Criteria Version 2. Collection method: clinical testing. Allele origin: germline. Affected: yes. Observed: 1 variant allele.
Comment: MRE11: BP4

Literature cited by the submitters: PubMed 33471991 (cited by Ambry Genetics).

NM_005591.4(MRE11):c.1259A>C (p.Lys420Thr)

Gene: MRE11 (MRE11 double strand break repair nuclease; minus strand). Cytogenetic location: 11q21.
Variant type: single nucleotide variant.
Coding change: c.1259A>C on transcript NM_005591.4 (MANE Select); coding-DNA position 1259, A replaced by C.
Protein change: p.Lys420Thr; replaces lysine 420 with threonine.
Molecular consequence: missense variant.
Genome position (GRCh38, 1-based): chr11:94,461,003, T>G on the plus strand (A>C on the coding strand, the complement: MRE11 is on the minus strand). VCF-style: chr11-94461003-T-G. GRCh37 (hg19) VCF-style: chr11-94194169-T-G.
Other names: c.1259A>C, p.Lys420Thr (NM_001330347.2, NM_005590.4); short protein forms K420T.
Identifiers: ClinVar variation 407882 (VCV000407882.37), dbSNP rs201153937, ClinGen allele CA6235115.